The following is an entry in ClinVar:

ClinVar aggregate classification (germline): Uncertain significance (1 of 4 stars; one submission).

Submission:

GeneDx
Classification: Uncertain significance. Last evaluated: 2024-05-31. Review status: criteria provided, single submitter. Criteria: GeneDx Variant Classification Process June 2021. Collection method: clinical testing. Allele origin: germline. Affected: yes.
Comment: Not observed at significant frequency in large population cohorts (gnomAD); In silico analysis supports that this missense variant has a deleterious effect on protein structure/function; Has not been previously published as pathogenic or benign to our knowledge

NM_018896.5(CACNA1G):c.4763C>G (p.Ala1588Gly)

Gene: CACNA1G (calcium voltage-gated channel subunit alpha1 G; plus strand). Cytogenetic location: 17q21.33.
Variant type: single nucleotide variant.
Coding change: c.4763C>G on transcript NM_018896.5 (MANE Select); coding-DNA position 4763, C replaced by G.
Protein change: p.Ala1588Gly; replaces alanine 1588 with glycine.
Molecular consequence: missense variant. On other transcripts: non-coding transcript variant (5).
Genome position (GRCh38, 1-based): chr17:50,615,364, C>G. VCF-style: chr17-50615364-C-G. GRCh37 (hg19) VCF-style: chr17-48692725-C-G.
Other names: c.4709C>G, p.Ala1570Gly (NM_001256324.2, NM_001256328.2, NM_198386.3); c.4784C>G, p.Ala1595Gly (NM_001256325.2); c.4628C>G, p.Ala1543Gly (NM_001256326.2, NM_001256330.2); c.4763C>G, p.Ala1588Gly (NM_001256327.2, NM_001256333.2, NM_198384.3 and 1 more transcripts); c.4661C>G, p.Ala1554Gly (NM_001256329.2, NM_198376.3, NM_198379.3 and 2 more transcripts); c.4607C>G, p.Ala1536Gly (NM_001256331.2); c.4592C>G, p.Ala1531Gly (NM_001256332.2); c.4730C>G, p.Ala1577Gly (NM_001256334.2, NM_198377.3, NM_198378.3 and 1 more transcripts); and 5 more; short protein forms A1531G, A1536G, A1543G, A1547G, A1550G, A1552G, A1554G, A1561G.
Identifiers: ClinVar variation 3383894 (VCV003383894.1).